The following is an entry in ClinVar:

ClinVar aggregate classification (germline): Benign. Review status: criteria provided, multiple submitters, no conflicts (2 of 4 stars). 5 submissions from 5 submitters: Benign (5). Last evaluated 2026-01-27.

Conditions:
Hennekam lymphangiectasia-lymphedema syndrome 1 (HKLLS1). Also called: LYMPHATIC DYSPLASIA, GENERALIZED. Identifiers: Orphanet 2136, MedGen C4012050, MONDO:0009337, OMIM 235510.

Allele frequency attached by ClinVar (database versions not stated): gnomAD exomes 0.00393; ExAC 0.00857; 1000 Genomes Project 30x 0.01640; 1000 Genomes Project 0.01657; gnomAD 0.01732 and 0.01868; ESP Exome Variant Server 0.01794; TOPMed 0.01972.
gnomAD v4.1: 5,049 of 1,548,800 alleles (0.33%); highest among the groups gnomAD compares: African/African-American, 6.2%; 158 homozygotes.

Submissions (5):

Labcorp Genetics (formerly Invitae), Labcorp
Classification: Benign. Last evaluated: 2026-01-27. Review status: criteria provided, single submitter. Criteria: Invitae Variant Classification Sherloc (09022015). Collection method: clinical testing. Allele origin: germline.

ARUP Laboratories, Molecular Genetics and Genomics, ARUP Laboratories
Classification: Benign for Hennekam lymphangiectasia-lymphedema syndrome 1. Last evaluated: 2023-09-22. Review status: criteria provided, single submitter. Criteria: ARUP Molecular Germline Variant Investigation Process 2024. Collection method: clinical testing. Allele origin: germline.

Illumina Laboratory Services, Illumina
Classification: Benign for Hennekam lymphangiectasia-lymphedema syndrome 1. Last evaluated: 2018-01-13. Review status: criteria provided, single submitter. Criteria: ICSL Variant Classification Criteria 13 December 2019. Collection method: clinical testing. Allele origin: germline.
Comment: This variant was observed in the ICSL laboratory as part of a predisposition screen in an ostensibly healthy population. It had not been previously curated by ICSL or reported in the Human Gene Mutation Database (HGMD: prior to June 1st, 2018), and was therefore a candidate for classification through an automated scoring system. Utilizing variant allele frequency, disease prevalence and penetrance estimates, and inheritance mode, an automated score was calculated to assess if this variant is too frequent to cause the disease. Based on the score and internal cut-off values, a variant classified as benign is not then subjected to further curation. The score for this variant resulted in a classification of benign for this disease.

Center for Pediatric Genomic Medicine, Children's Mercy Hospital and Clinics
Classification: Benign. Last evaluated: 2016-07-22. Review status: criteria provided, single submitter. Criteria: ACMG Guidelines, 2015. Collection method: clinical testing. Allele origin: germline.

Breakthrough Genomics
Classification: Benign. Review status: criteria provided, single submitter. Criteria: ACMG Guidelines, 2015. Collection method: not provided. Allele origin: germline. Inheritance: Autosomal recessive inheritance. Affected: yes.

NM_133459.4(CCBE1):c.123C>A (p.Asp41Glu)

Gene: CCBE1 (collagen and calcium binding EGF domains 1; minus strand). Cytogenetic location: 18q21.32.
Variant type: single nucleotide variant.
Coding change: c.123C>A on transcript NM_133459.4 (MANE Select); coding-DNA position 123, C replaced by A.
Protein change: p.Asp41Glu; replaces aspartic acid 41 with glutamic acid.
Molecular consequence: missense variant.
Genome position (GRCh38, 1-based): chr18:59,697,220, G>T on the plus strand (C>A on the coding strand, the complement: CCBE1 is on the minus strand). VCF-style: chr18-59697220-G-T. GRCh37 (hg19) VCF-style: chr18-57364452-G-T.
Other names: c.123C>A, p.Asp41Glu (LRG_1209t1); short protein forms D41E.
Identifiers: ClinVar variation 327710 (VCV000327710.25), dbSNP rs80008675, ClinGen allele CA8980654.
Genomic context (GRCh38, chr18:59,697,220, plus strand): 5'-CGGGCGCGCATCAAGCAGGAGCTCGCCCTCCGCTGGGGCTTGCAGCGCTTACCTGTCGCC[G>T]TCCTCCGGCTCCTCTCTGTAGGTCCACGTGTGTCCCAACGCCAGGAGCAGCAGCAGCGGA-3'
Protein context (NP_597716.1, residues 31-51): HTWTYREEPE[Asp41Glu]GDREICSESK